The following is an entry in ClinVar:

ClinVar aggregate classification (germline): Benign/Likely benign. Review status: criteria provided, multiple submitters, no conflicts (2 of 4 stars). 5 submissions from 5 submitters: Benign (2); Likely benign (2). 1 of the submissions does not count toward it. Last evaluated 2026-01-28.

Conditions:
Congenital lactic acidosis, Saguenay-Lac-Saint-Jean type (MC4DN5). Also called: CYTOCHROME c OXIDASE DEFICIENCY, FRENCH CANADIAN TYPE; COX DEFICIENCY, FRENCH CANADIAN TYPE; MITOCHONDRIAL COMPLEX IV DEFICIENCY, NUCLEAR TYPE 5. Identifiers: Orphanet 70472, MedGen C1857355, MONDO:0009069, OMIM 220111.

Allele frequency attached by ClinVar (database versions not stated): ESP Exome Variant Server 0.00008; gnomAD exomes 0.00047 and 0.00140; gnomAD 0.00052 and 0.00076; TOPMed 0.00091; ExAC 0.00140; 1000 Genomes Project 0.00339.
gnomAD v4.1: 812 of 1,611,620 alleles (0.05%); highest among the groups gnomAD compares: East Asian, 1.4%; 5 homozygotes.

Submissions (5):

Labcorp Genetics (formerly Invitae), Labcorp
Classification: Benign. Last evaluated: 2026-01-28. Review status: criteria provided, single submitter. Criteria: Invitae Variant Classification Sherloc (09022015). Collection method: clinical testing. Allele origin: germline.

Blueprint Genetics
Classification: Likely benign. Last evaluated: 2024-11-08. Review status: criteria provided, single submitter. Criteria: ACMG Guidelines, 2015. Collection method: clinical testing. Allele origin: germline.

Illumina Laboratory Services, Illumina
Classification: Likely benign for Congenital lactic acidosis, Saguenay-Lac-Saint-Jean type. Last evaluated: 2018-01-13. Review status: criteria provided, single submitter. Criteria: ICSL Variant Classification Criteria 13 December 2019. Collection method: clinical testing. Allele origin: germline.
Comment: This variant was observed in the ICSL laboratory as part of a predisposition screen in an ostensibly healthy population. It had not been previously curated by ICSL or reported in the Human Gene Mutation Database (HGMD: prior to June 1st, 2018), and was therefore a candidate for classification through an automated scoring system. Utilizing variant allele frequency, disease prevalence and penetrance estimates, and inheritance mode, an automated score was calculated to assess if this variant is too frequent to cause the disease. Based on the score and internal cut-off values, a variant classified as likely benign is not then subjected to further curation. The score for this variant resulted in a classification of likely benign for this disease.

GeneDx
Classification: Benign. Last evaluated: 2017-07-20. Review status: criteria provided, single submitter. Criteria: GeneDx Variant Classification (06012015). Collection method: clinical testing. Allele origin: germline. Affected: yes.
Comment: This variant is considered likely benign or benign based on one or more of the following criteria: it is a conservative change, it occurs at a poorly conserved position in the protein, it is predicted to be benign by multiple in silico algorithms, and/or has population frequency not consistent with disease.

Natera, Inc.
Classification: Likely benign for French-Canadian type Leigh syndrome. Last evaluated: 2019-11-11. Review status: no assertion criteria provided. Collection method: clinical testing. Allele origin: germline. Not counted in ClinVar's aggregate classification.

NM_133259.4(LRPPRC):c.2118A>G (p.Glu706=)

Gene: LRPPRC (leucine rich pentatricopeptide repeat containing; minus strand). Cytogenetic location: 2p21.
Variant type: single nucleotide variant.
Coding change: c.2118A>G on transcript NM_133259.4 (MANE Select); coding-DNA position 2118, A replaced by G.
Protein change: p.Glu706=; no amino-acid change (glutamic acid 706 retained).
Molecular consequence: synonymous variant.
Genome position (GRCh38, 1-based): chr2:43,946,205, T>C on the plus strand (A>G on the coding strand, the complement: LRPPRC is on the minus strand). VCF-style: chr2-43946205-T-C. GRCh37 (hg19) VCF-style: chr2-44173344-T-C.
Identifiers: ClinVar variation 336156 (VCV000336156.17), dbSNP rs118188415, ClinGen allele CA1638579.